The following is an entry in ClinVar:

NC_000019.9:g.(?_50905025)_(50906486_?)del

Gene: POLD1 (DNA polymerase delta 1, catalytic subunit; plus strand). Cytogenetic location: 19q13.33.
Variant type: Deletion.
Identifiers: ClinVar variation 1482441 (VCV001482441.6).

ClinVar aggregate classification (germline): Uncertain significance (1 of 4 stars; one submission).

Conditions:
POLD1-related polyposis and colorectal cancer syndrome (CRCS10). Also called: Colorectal cancer 10; COLORECTAL CANCER, SUSCEPTIBILITY TO, ON CHROMOSOME 19q; Colorectal cancer, susceptibility to, 10. Identifiers: Orphanet 220460, MedGen C2675481, MONDO:0012953, OMIM 612591.

Submission:

Labcorp Genetics (formerly Invitae), Labcorp
Classification: Uncertain significance for POLD1-related polyposis and colorectal cancer syndrome. Last evaluated: 2021-06-06. Review status: criteria provided, single submitter. Criteria: Invitae Variant Classification Sherloc (09022015). Collection method: clinical testing. Allele origin: germline.
Comment: Missense variants that disrupt the 3'-5' exonuclease (proof-reading) activity of the POLD1 protein are associated with an increased risk for colonic adenomatous polyps and colon cancer (PMID: 23263490, 23447401). However, loss-of-function variants which result in an absent or severely disrupted POLD1 protein, and missense variants outside the exonuclease domain, are unlikely to be associated with polyposis or colon cancer. Without further clinical and genetic evidence, this variant has been classified as a Variant of Uncertain Significance. This variant has not been reported in the literature in individuals with POLD1-related conditions. This variant is a gross deletion of the genomic region encompassing exon(s) 4-9 of the POLD1 gene. This deletion is out-of-frame, and is expected to create a premature translational stop signal and result in an absent or disrupted protein product.

Literature cited by the submitters: PubMed 23263490; PubMed 23447401.